The following is an entry in ClinVar:

NM_012210.4(TRIM32):c.986C>G (p.Pro329Arg)

Genes: ASTN2 (astrotactin 2; minus strand), TRIM32 (tripartite motif containing 32; plus strand). Cytogenetic location: 9q33.1.
Variant type: single nucleotide variant.
Coding change: c.986C>G on transcript NM_012210.4 (MANE Select); coding-DNA position 986, C replaced by G.
Protein change: p.Pro329Arg; replaces proline 329 with arginine.
Molecular consequence: missense variant. On other transcripts: intron variant (3).
Genome position (GRCh38, 1-based): chr9:116,698,728, C>G. VCF-style: chr9-116698728-C-G. GRCh37 (hg19) VCF-style: chr9-119461007-C-G.
Other names: c.986C>G, p.Pro329Arg (NM_001099679.2, NM_001379048.1, NM_001379049.1 and 1 more transcripts); c.2653+27043G>C (NM_014010.5); c.2794+27043G>C (NM_001365069.1); c.2806+27043G>C (NM_001365068.1); short protein forms P329R.
Identifiers: ClinVar variation 1432483 (VCV001432483.9), dbSNP rs377510422, ClinGen allele CA374650679.
Genomic context (GRCh38, chr9:116,698,728, plus strand): 5'-TGGAGGCCACAGCGTCTGCTGCCTCTACCTCTGTTACTTTTAGAGAGATGGACATGAGCC[C>G]GGAGGAAGTGGTTGCCAGCCCTAGGGCCTCACCTGCTAAACAGCGGGGTCCTGAGGCAGC-3'
Protein context (NP_036342.2, residues 319-339): SVTFREMDMS[Pro329Arg]EEVVASPRAS

ClinVar aggregate classification (germline): Uncertain significance. Review status: criteria provided, multiple submitters, no conflicts (2 of 4 stars). 2 submissions from 2 submitters: Uncertain significance (2). Last evaluated 2025-07-07.

Conditions:
Sarcotubular myopathy (LGMDR8). Also called: MUSCULAR DYSTROPHY, LIMB-GIRDLE, AUTOSOMAL RECESSIVE 8; Autosomal recessive limb-girdle muscular dystrophy type 2H; Hutterite type of muscular dystrophy; Limb-girdle muscular dystrophy, type 2H. Identifiers: Orphanet 1878, MedGen C0270968, MONDO:0009683, OMIM 254110.
Bardet-Biedl syndrome 11 (BBS11). Identifiers: Orphanet 110, MedGen C1859569, MONDO:0014439, OMIM 615988.
Bardet-Biedl syndrome (BBS). Identifiers: Orphanet 110, MedGen C0752166, MONDO:0015229.

gnomAD v4.1: 1 of 1,614,112 alleles (0.000062%); highest among the groups gnomAD compares: African/African-American, 0.0013%; no homozygotes.

Submissions (2):

Labcorp Genetics (formerly Invitae), Labcorp
Classification: Uncertain significance for Bardet-Biedl syndrome. Last evaluated: 2025-07-07. Review status: criteria provided, single submitter. Criteria: Invitae Variant Classification Sherloc (09022015). Collection method: clinical testing. Allele origin: germline.
Comment: This sequence change replaces proline, which is neutral and non-polar, with arginine, which is basic and polar, at codon 329 of the TRIM32 protein (p.Pro329Arg). This variant is not present in population databases (gnomAD no frequency). This variant has not been reported in the literature in individuals affected with TRIM32-related conditions. ClinVar contains an entry for this variant (Variation ID: 1432483). An algorithm developed to predict the effect of missense changes on protein structure and function (PolyPhen-2) suggests that this variant is likely to be tolerated. In summary, the available evidence is currently insufficient to determine the role of this variant in disease. Therefore, it has been classified as a Variant of Uncertain Significance.

Fulgent Genetics
Classification: Uncertain significance for Sarcotubular myopathy; Bardet-Biedl syndrome 11. Last evaluated: 2022-05-17. Review status: criteria provided, single submitter. Criteria: ACMG Guidelines, 2015. Collection method: clinical testing. Allele origin: unknown.